The following is an entry in ClinVar:

ClinVar aggregate classification (germline): Uncertain significance (1 of 4 stars; one submission).

Conditions:
Hereditary cancer-predisposing syndrome. Also called: Neoplastic Syndromes, Hereditary; Tumor predisposition; Hereditary Cancer Syndrome; Hereditary neoplastic syndrome. Identifiers: Orphanet 140162, MedGen C0027672, MeSH D009386, MONDO:0015356.

Submission:

Ambry Genetics
Classification: Uncertain significance for Hereditary cancer-predisposing syndrome. Last evaluated: 2026-05-14. Review status: criteria provided, single submitter. Criteria: Ambry Variant Classification Scheme 2023. Collection method: clinical testing. Allele origin: germline.
Comment: The p.I2070F variant (also known as c.6208A>T), located in coding exon 45 of the POLE gene, results from an A to T substitution at nucleotide position 6208. The isoleucine at codon 2070 is replaced by phenylalanine, an amino acid with highly similar properties. This amino acid position is conserved. In addition, the in silico prediction for this alteration is inconclusive. Based on the available evidence, the clinical significance of this variant remains unclear.

NM_006231.4(POLE):c.6208A>T (p.Ile2070Phe)

Gene: POLE (DNA polymerase epsilon, catalytic subunit; minus strand). Cytogenetic location: 12q24.33.
Variant type: single nucleotide variant.
Coding change: c.6208A>T on transcript NM_006231.4 (MANE Select); coding-DNA position 6208, A replaced by T.
Protein change: p.Ile2070Phe; replaces isoleucine 2070 with phenylalanine.
Molecular consequence: missense variant.
Genome position (GRCh38, 1-based): chr12:132,632,437, T>A on the plus strand (A>T on the coding strand, the complement: POLE is on the minus strand). VCF-style: chr12-132632437-T-A. GRCh37 (hg19) VCF-style: chr12-133209023-T-A.
Other names: short protein forms I2070F.
Identifiers: ClinVar variation 4862307 (VCV004862307.1).